The following is an entry in ClinVar:

ClinVar aggregate classification (germline): Uncertain significance (1 of 4 stars; one submission).

Allele frequency attached by ClinVar (database versions not stated): gnomAD exomes below 0.00001; ExAC 0.00001.
gnomAD v4.1: 1 of 1,613,226 alleles (0.000062%); highest among the groups gnomAD compares: Non-Finnish European, 0.000085%; no homozygotes.

Submission:

Labcorp Genetics (formerly Invitae), Labcorp
Classification: Uncertain significance. Last evaluated: 2023-12-31. Review status: criteria provided, single submitter. Criteria: Invitae Variant Classification Sherloc (09022015). Collection method: clinical testing. Allele origin: germline.
Comment: This sequence change replaces aspartic acid, which is acidic and polar, with alanine, which is neutral and non-polar, at codon 2387 of the KMT2A protein (p.Asp2387Ala). This variant is present in population databases (rs782115318, gnomAD 0.0009%). This variant has not been reported in the literature in individuals affected with KMT2A-related conditions. Advanced modeling of protein sequence and biophysical properties (such as structural, functional, and spatial information, amino acid conservation, physicochemical variation, residue mobility, and thermodynamic stability) performed at Invitae indicates that this missense variant is not expected to disrupt KMT2A protein function with a negative predictive value of 95%. In summary, the available evidence is currently insufficient to determine the role of this variant in disease. Therefore, it has been classified as a Variant of Uncertain Significance.

NM_001197104.2(KMT2A):c.7160A>C (p.Asp2387Ala)

Gene: KMT2A (lysine methyltransferase 2A; plus strand). Cytogenetic location: 11q23.3.
Variant type: single nucleotide variant.
Coding change: c.7160A>C on transcript NM_001197104.2 (MANE Select); coding-DNA position 7160, A replaced by C.
Protein change: p.Asp2387Ala; replaces aspartic acid 2387 with alanine.
Molecular consequence: missense variant.
Genome position (GRCh38, 1-based): chr11:118,503,052, A>C. VCF-style: chr11-118503052-A-C. GRCh37 (hg19) VCF-style: chr11-118373767-A-C.
Other names: c.7250A>C, p.Asp2417Ala (NM_001412597.1); c.7151A>C, p.Asp2384Ala (NM_005933.4); short protein forms D2384A, D2387A, D2417A.
Identifiers: ClinVar variation 2971658 (VCV002971658.3), dbSNP rs782115318, ClinGen allele CA6304369.